The following is an entry in ClinVar:

ClinVar aggregate classification (germline): Uncertain significance (1 of 4 stars; one submission).

Conditions:
Cardiovascular phenotype. Identifiers: MedGen CN230736.

Submission:

Ambry Genetics
Classification: Uncertain significance for Cardiovascular phenotype. Last evaluated: 2026-07-04. Review status: criteria provided, single submitter. Criteria: Ambry Variant Classification Scheme 2023. Collection method: clinical testing. Allele origin: germline.
Comment: The p.V180G variant (also known as c.539T>G), located in coding exon 4 of the KCNH2 gene, results from a T to G substitution at nucleotide position 539. The valine at codon 180 is replaced by glycine, an amino acid with dissimilar properties. This amino acid position is conserved. In addition, this alteration is predicted to be tolerated by in silico analysis. Based on the available evidence, the clinical significance of this variant remains unclear.

NM_000238.4(KCNH2):c.539T>G (p.Val180Gly)

Gene: KCNH2 (potassium voltage-gated channel subfamily H member 2; minus strand). Cytogenetic location: 7q36.1.
Variant type: single nucleotide variant.
Coding change: c.539T>G on transcript NM_000238.4 (MANE Select); coding-DNA position 539, T replaced by G.
Protein change: p.Val180Gly; replaces valine 180 with glycine.
Molecular consequence: missense variant. On other transcripts: non-coding transcript variant (1).
Genome position (GRCh38, 1-based): chr7:150,958,436, A>C on the plus strand (T>G on the coding strand, the complement: KCNH2 is on the minus strand). VCF-style: chr7-150958436-A-C. GRCh37 (hg19) VCF-style: chr7-150655524-A-C.
Other names: c.251T>G, p.Val84Gly (NM_001406753.1, NM_001406756.1); c.362T>G, p.Val121Gly (NM_001406755.1); c.239T>G, p.Val80Gly (NM_001406757.1); c.539T>G, p.Val180Gly (NM_172056.3); short protein forms V180G, V80G, V84G, V121G.
Identifiers: ClinVar variation 5022976 (VCV005022976.1).